The following is an entry in ClinVar:

ClinVar aggregate classification (germline): Pathogenic (1 of 4 stars; one submission).

Conditions:
Renal carnitine transport defect (CDSP). Also called: Systemic primary carnitine deficiency; Carnitine transporter deficiency; Systemic primary carnitine deficiency disease; CARNITINE DEFICIENCY, SYSTEMIC, DUE TO DEFECT IN RENAL REABSORPTION OF CARNITINE; Primary carnitine deficiency; CARNITINE TRANSPORTER, PLASMA-MEMBRANE, DEFICIENCY OF. Identifiers: Orphanet 158, MedGen C0342788, MONDO:0008919, OMIM 212140.

Submission:

Labcorp Genetics (formerly Invitae), Labcorp
Classification: Pathogenic for Renal carnitine transport defect. Last evaluated: 2020-03-09. Review status: criteria provided, single submitter. Criteria: Invitae Variant Classification Sherloc (09022015). Collection method: clinical testing. Allele origin: germline.
Comment: This sequence change creates a premature translational stop signal (p.Tyr449*) in the SLC22A5 gene. It is expected to result in an absent or disrupted protein product. For these reasons, this variant has been classified as Pathogenic. Loss-of-function variants in SLC22A5 are known to be pathogenic (PMID: 9916797). This variant has not been reported in the literature in individuals with SLC22A5-related conditions. This variant is not present in population databases (ExAC no frequency).

Literature cited by the submitters: PubMed 9916797.

NM_003060.4(SLC22A5):c.1347C>A (p.Tyr449Ter)

Gene: SLC22A5 (solute carrier family 22 member 5; plus strand). Cytogenetic location: 5q31.1.
Variant type: single nucleotide variant.
Coding change: c.1347C>A on transcript NM_003060.4 (MANE Select); coding-DNA position 1347, C replaced by A.
Protein change: p.Tyr449Ter; replaces tyrosine 449 with a stop codon.
Molecular consequence: nonsense.
Genome position (GRCh38, 1-based): chr5:132,392,512, C>A. VCF-style: chr5-132392512-C-A. GRCh37 (hg19) VCF-style: chr5-131728204-C-A.
Other names: c.1419C>A, p.Tyr473Ter (NM_001308122.2); short protein forms Y449*, Y473*.
Identifiers: ClinVar variation 1072441 (VCV001072441.7), dbSNP rs2126791445, ClinGen allele CA360808779.